The following is an entry in ClinVar:

NM_007194.4(CHEK2):c.1448A>G (p.His483Arg)

Gene: CHEK2 (checkpoint kinase 2; minus strand). Cytogenetic location: 22q12.1.
Variant type: single nucleotide variant.
Coding change: c.1448A>G on transcript NM_007194.4 (MANE Select); coding-DNA position 1448, A replaced by G.
Protein change: p.His483Arg; replaces histidine 483 with arginine.
Molecular consequence: missense variant.
Genome position (GRCh38, 1-based): chr22:28,694,045, T>C on the plus strand (A>G on the coding strand, the complement: CHEK2 is on the minus strand). VCF-style: chr22-28694045-T-C. GRCh37 (hg19) VCF-style: chr22-29090033-T-C.
Other names: p.H483R:CAC>CGC; c.1577A>G, p.His526Arg (NM_001005735.3); c.785A>G, p.His262Arg (NM_001257387.3); c.1247A>G, p.His416Arg (NM_001349956.3); c.1361A>G, p.His454Arg (NM_145862.3); short protein forms H483R, H262R, H526R, H454R, H416R.
Identifiers: ClinVar variation 128061 (VCV000128061.30), dbSNP rs587780177, ClinGen allele CA288284.

ClinVar aggregate classification (germline): Conflicting classifications of pathogenicity. Review status: criteria provided, conflicting classifications (1 of 4 stars). 9 submissions from 9 submitters: Likely pathogenic (1); Uncertain significance (8). Last evaluated 2025-11-13.

Conditions:
Hereditary cancer-predisposing syndrome. Also called: Hereditary neoplastic syndrome; Tumor predisposition; Neoplastic Syndromes, Hereditary; Hereditary Cancer Syndrome. Identifiers: Orphanet 140162, MedGen C0027672, MeSH D009386, MONDO:0015356.
Familial cancer of breast. Also called: hereditary breast carcinoma; Hereditary breast cancer; BREAST CANCER, FAMILIAL. Identifiers: Orphanet 227535, MedGen C0346153, MONDO:0016419, OMIM 114480. Disease mechanism: loss of function.

Allele frequency attached by ClinVar (database versions not stated): gnomAD 0.00001; gnomAD exomes 0.00001; TOPMed 0.00001.
gnomAD v4.1: 14 of 1,594,898 alleles (0.00088%); highest among the groups gnomAD compares: Non-Finnish European, 0.00093%; no homozygotes.

Submissions (9):

Ambry Genetics
Classification: Uncertain significance for Hereditary cancer-predisposing syndrome. Last evaluated: 2025-11-13. Review status: criteria provided, single submitter. Criteria: Ambry Variant Classification Scheme 2023. Collection method: clinical testing. Allele origin: germline.
Comment: The p.H483R variant (also known as c.1448A>G), located in coding exon 12 of the CHEK2 gene, results from an A to G substitution at nucleotide position 1448. The histidine at codon 483 is replaced by arginine, an amino acid with highly similar properties. This alteration behaved as non-functional in an in vivo, yeast-based growth rate assay (Delimitsou A et al. Hum. Mutat., 2019 05;40:631-648). This alteration was also reported as functionally impaired in a study assessing CHEK2-complementation through quantification of KAP1 phosphorylation and CHK2 autophosphorylation in human RPE1-CHEK2-knockout cells (Stolarova L et al. Clin Cancer Res, 2023 Aug;29:3037-3050). This amino acid position is highly conserved in available vertebrate species. In addition, this alteration is predicted to be deleterious by in silico analysis. Based on the available evidence, the clinical significance of this variant remains unclear.

Labcorp Genetics (formerly Invitae), Labcorp
Classification: Uncertain significance for Familial cancer of breast. Last evaluated: 2025-11-05. Review status: criteria provided, single submitter. Criteria: Invitae Variant Classification Sherloc (09022015). Collection method: clinical testing. Allele origin: germline.
Comment: This sequence change replaces histidine, which is basic and polar, with arginine, which is basic and polar, at codon 483 of the CHEK2 protein (p.His483Arg). This variant is not present in population databases (gnomAD no frequency). This variant has not been reported in the literature in individuals affected with CHEK2-related conditions. ClinVar contains an entry for this variant (Variation ID: 128061). An algorithm developed to predict the effect of missense changes on protein structure and function (PolyPhen-2) suggests that this variant is likely to be disruptive. Experimental studies have shown that this missense change affects CHEK2 function (PMID: 30851065). In summary, the available evidence is currently insufficient to determine the role of this variant in disease. Therefore, it has been classified as a Variant of Uncertain Significance.

Myriad Genetics, Inc.
Classification: Likely pathogenic for Familial cancer of breast. Last evaluated: 2025-10-27. Review status: criteria provided, single submitter. Criteria: Myriad Autosomal Dominant, Autosomal Recessive and X-Linked Classification Criteria (2023). Collection method: clinical testing. Allele origin: unknown.
Comment: This variant is considered likely pathogenic. This variant is strongly associated with more severe personal and family histories of cancer, typical for individuals with pathogenic variants in this gene [PMID: 25085752].

Color Diagnostics, LLC DBA Color Health
Classification: Uncertain significance for Hereditary cancer-predisposing syndrome. Last evaluated: 2025-10-01. Review status: criteria provided, single submitter. Criteria: ACMG Guidelines, 2015. Collection method: clinical testing. Allele origin: germline.
Comment: This missense variant replaces histidine with arginine at codon 483 of the CHEK2 protein. Computational prediction suggests that this variant may have deleterious impact on protein structure and function. Functional studies have shown this variant to disrupt CHEK2 function in a yeast DNA damage repair assay and impair CHEK2 activity in KAP1 kinase and CHK2 autophosphorlation assays (PMID: 30851065). This variant has not been reported in individuals affected with CHEK2-related disorders in the literature. This variant has not been identified in the general population by the Genome Aggregation Database (gnomAD). The available evidence is insufficient to determine the role of this variant in disease conclusively. Therefore, this variant is classified as a Variant of Uncertain Significance.

GeneDx
Classification: Uncertain significance. Last evaluated: 2025-05-05. Review status: criteria provided, single submitter. Criteria: GeneDx Variant Classification Process June 2021. Collection method: clinical testing. Allele origin: germline. Affected: yes.
Comment: Not observed at significant frequency in large population cohorts (gnomAD); In silico analysis supports that this missense variant has a deleterious effect on protein structure/function; This variant is associated with the following publications: (PMID: 31398194, 30851065, 26580448, 22419737, 19782031, 37449874)

Blueprint Genetics
Classification: Uncertain significance. Last evaluated: 2024-07-31. Review status: criteria provided, single submitter. Criteria: ACMG Guidelines, 2015. Collection method: clinical testing. Allele origin: germline.

Baylor Genetics
Classification: Uncertain significance for Familial cancer of breast. Last evaluated: 2023-09-07. Review status: criteria provided, single submitter. Criteria: ACMG Guidelines, 2015. Collection method: clinical testing. Allele origin: unknown.

Quest Diagnostics Nichols Institute San Juan Capistrano
Classification: Uncertain significance. Last evaluated: 2020-01-21. Review status: criteria provided, single submitter. Criteria: Quest Diagnostics criteria. Collection method: clinical testing. Allele origin: unknown.

PreventionGenetics, part of Exact Sciences
Classification: Uncertain significance. Last evaluated: 2017-08-11. Review status: criteria provided, single submitter. Criteria: ACMG Guidelines, 2015. Collection method: clinical testing. Allele origin: germline.

Literature cited by the submitters: PubMed 26580448 (cited by Ambry Genetics); PubMed 30851065 (cited by 3 submitters); PubMed 31398194 (cited by Ambry Genetics); PubMed 35643632 (cited by Ambry Genetics); PubMed 37449874 (cited by Ambry Genetics); PubMed 25085752 (cited by Myriad Genetics, Inc.).